The following is an entry in ClinVar:

ClinVar aggregate classification (germline): Uncertain significance. Review status: criteria provided, multiple submitters, no conflicts (2 of 4 stars). 2 submissions from 2 submitters: Uncertain significance (2). Last evaluated 2025-05-17.

Conditions:
Inborn genetic diseases. Identifiers: MedGen C0950123, MeSH D030342.

Allele frequency attached by ClinVar (database versions not stated): gnomAD exomes 0.00001; gnomAD 0.00001.

Submissions (2):

Labcorp Genetics (formerly Invitae), Labcorp
Classification: Uncertain significance. Last evaluated: 2025-05-17. Review status: criteria provided, single submitter. Criteria: Invitae Variant Classification Sherloc (09022015). Collection method: clinical testing. Allele origin: germline.
Comment: This sequence change replaces aspartic acid, which is acidic and polar, with glycine, which is neutral and non-polar, at codon 497 of the BRD4 protein (p.Asp497Gly). This variant is present in population databases (no rsID available, gnomAD 0.002%). This variant has not been reported in the literature in individuals affected with BRD4-related conditions. ClinVar contains an entry for this variant (Variation ID: 3134970). Invitae Evidence Modeling of protein sequence and biophysical properties (such as structural, functional, and spatial information, amino acid conservation, physicochemical variation, residue mobility, and thermodynamic stability) indicates that this missense variant is not expected to disrupt BRD4 protein function with a negative predictive value of 80%. In summary, the available evidence is currently insufficient to determine the role of this variant in disease. Therefore, it has been classified as a Variant of Uncertain Significance.

Ambry Genetics
Classification: Uncertain significance for Inborn genetic diseases. Last evaluated: 2024-01-24. Review status: criteria provided, single submitter. Criteria: Ambry Variant Classification Scheme 2023. Collection method: clinical testing. Allele origin: germline.

NM_001379291.1(BRD4):c.1490A>G (p.Asp497Gly)

Gene: BRD4 (bromodomain containing 4; minus strand). Cytogenetic location: 19p13.12.
Variant type: single nucleotide variant.
Coding change: c.1490A>G on transcript NM_001379291.1 (MANE Select); coding-DNA position 1490, A replaced by G.
Protein change: p.Asp497Gly; replaces aspartic acid 497 with glycine.
Molecular consequence: missense variant.
Genome position (GRCh38, 1-based): chr19:15,257,025, T>C on the plus strand (A>G on the coding strand, the complement: BRD4 is on the minus strand). VCF-style: chr19-15257025-T-C. GRCh37 (hg19) VCF-style: chr19-15367836-T-C.
Other names: c.1490A>G, p.Asp497Gly (NM_001330384.2, NM_001379292.1, NM_014299.3 and 1 more transcripts); short protein forms D497G.
Identifiers: ClinVar variation 3134970 (VCV003134970.2), dbSNP rs1434942537, ClinGen allele CA404522728.